The following is an entry in ClinVar:

ClinVar aggregate classification (germline): Benign. Review status: criteria provided, multiple submitters, no conflicts (2 of 4 stars). 3 submissions from 3 submitters: Benign (3). Last evaluated 2026-07-01.

Allele frequency attached by ClinVar (database versions not stated): 1000 Genomes Project 30x 0.00359; 1000 Genomes Project 0.00399; TOPMed 0.00822; gnomAD 0.00849 and 0.00861; ESP Exome Variant Server 0.00953; gnomAD exomes 0.00965 and 0.01138; ExAC 0.00969.
gnomAD v4.1: 17,892 of 1,614,038 alleles (1.1%); highest among the groups gnomAD compares: Non-Finnish European, 1.3%; 114 homozygotes.

Submissions (3):

CeGaT Center for Human Genetics Tuebingen
Classification: Benign. Last evaluated: 2026-07-01. Review status: criteria provided, single submitter. Criteria: CeGaT Center For Human Genetics Tuebingen Variant Classification Criteria Version 2. Collection method: clinical testing. Allele origin: germline. Affected: yes. Observed: 3 variant alleles.
Comment: KRT25: BP4, BP7, BS1, BS2

Labcorp Genetics (formerly Invitae), Labcorp
Classification: Benign. Last evaluated: 2026-01-26. Review status: criteria provided, single submitter. Criteria: Invitae Variant Classification Sherloc (09022015). Collection method: clinical testing. Allele origin: germline.

Breakthrough Genomics
Classification: Benign. Review status: criteria provided, single submitter. Criteria: ACMG Guidelines, 2015. Collection method: not provided. Allele origin: germline. Inheritance: Autosomal recessive inheritance. Affected: yes.

NM_181534.4(KRT25):c.1089G>A (p.Lys363=)

Gene: KRT25 (keratin 25; minus strand). Cytogenetic location: 17q21.2.
Variant type: single nucleotide variant.
Coding change: c.1089G>A on transcript NM_181534.4 (MANE Select); coding-DNA position 1089, G replaced by A.
Protein change: p.Lys363=; no amino-acid change (lysine 363 retained).
Molecular consequence: synonymous variant.
Genome position (GRCh38, 1-based): chr17:40,750,466, C>T on the plus strand (G>A on the coding strand, the complement: KRT25 is on the minus strand). VCF-style: chr17-40750466-C-T. GRCh37 (hg19) VCF-style: chr17-38906718-C-T.
Identifiers: ClinVar variation 708240 (VCV000708240.32), dbSNP rs72821891, ClinGen allele CA8546188.
Genomic context (GRCh38, chr17:40,750,466, plus strand): 5'-GTAGGTCTCAATTTCTTTTTCCAGGTGGAGCTTGATGTCCAGGAGCTGCTCATACTCCAG[C>T]TTCTGGCCCTCGGTCTCGGTTCTGACCTGGTGCAGCTGCTCCTCCAGGGCCCCGATCTGA-3'
Protein context (NP_853512.1, residues 353-373): HQVRTETEGQ[Lys363=]LEYEQLLDIK